The following is an entry in ClinVar:

ClinVar aggregate classification (germline): Uncertain significance (1 of 4 stars; one submission).

Submission:

Ambry Genetics
Classification: Uncertain significance. Last evaluated: 2025-03-12. Review status: criteria provided, single submitter. Criteria: Ambry Variant Classification Scheme 2023. Collection method: clinical testing. Allele origin: germline.
Comment: The p.D110G variant (also known as c.329A>G), located in coding exon 3 of the GFI1 gene, results from an A to G substitution at nucleotide position 329. The aspartic acid at codon 110 is replaced by glycine, an amino acid with similar properties. This amino acid position is conserved. In addition, this alteration is predicted to be tolerated by in silico analysis. Based on the available evidence, the clinical significance of this variant remains unclear.

NM_005263.5(GFI1):c.329A>G (p.Asp110Gly)

Gene: GFI1 (growth factor independent 1 transcriptional repressor; minus strand). Cytogenetic location: 1p22.1.
Variant type: single nucleotide variant.
Coding change: c.329A>G on transcript NM_005263.5 (MANE Select); coding-DNA position 329, A replaced by G.
Protein change: p.Asp110Gly; replaces aspartic acid 110 with glycine.
Molecular consequence: missense variant.
Genome position (GRCh38, 1-based): chr1:92,481,058, T>C on the plus strand (A>G on the coding strand, the complement: GFI1 is on the minus strand). VCF-style: chr1-92481058-T-C. GRCh37 (hg19) VCF-style: chr1-92946615-T-C.
Other names: c.329A>G, p.Asp110Gly (NM_001127215.3, NM_001127216.3); short protein forms D110G.
Identifiers: ClinVar variation 3853748 (VCV003853748.1).